The following is an entry in ClinVar:

NM_021728.4(OTX2):c.425C>T (p.Pro142Leu)

Gene: OTX2 (orthodenticle homeobox 2; minus strand). Cytogenetic location: 14q22.3.
Variant type: single nucleotide variant.
Coding change: c.425C>T on transcript NM_021728.4 (MANE Select); coding-DNA position 425, C replaced by T.
Protein change: p.Pro142Leu; replaces proline 142 with leucine.
Molecular consequence: missense variant. On other transcripts: non-coding transcript variant (2).
Genome position (GRCh38, 1-based): chr14:56,802,204, G>A on the plus strand (C>T on the coding strand, the complement: OTX2 is on the minus strand). VCF-style: chr14-56802204-G-A. GRCh37 (hg19) VCF-style: chr14-57268922-G-A.
Other names: c.401C>T, p.Pro134Leu (NM_001270523.2, NM_001270524.2, NM_172337.3); c.425C>T, p.Pro142Leu (NM_001270525.2); short protein forms P134L, P142L.
Identifiers: ClinVar variation 1000103 (VCV001000103.9), dbSNP rs199761861, ClinGen allele CA390051888.

ClinVar aggregate classification (germline): Uncertain significance (1 of 4 stars; one submission).

Conditions:
Anophthalmia-microphthalmia syndrome. Also called: Anophthalmia/Microphthalmia; Anophthalmia - microphthalmia. Identifiers: Orphanet 98555, MedGen C5680330, MONDO:0020147.

gnomAD v4.1: 4 of 1,614,122 alleles (0.00025%); highest among the groups gnomAD compares: Non-Finnish European, 0.00025%; no homozygotes.

Submission:

Labcorp Genetics (formerly Invitae), Labcorp
Classification: Uncertain significance for Anophthalmia-microphthalmia syndrome. Last evaluated: 2024-02-17. Review status: criteria provided, single submitter. Criteria: Invitae Variant Classification Sherloc (09022015). Collection method: clinical testing. Allele origin: germline.
Comment: This sequence change replaces proline, which is neutral and non-polar, with leucine, which is neutral and non-polar, at codon 134 of the OTX2 protein (p.Pro134Leu). This variant is not present in population databases (gnomAD no frequency). This variant has not been reported in the literature in individuals affected with OTX2-related conditions. ClinVar contains an entry for this variant (Variation ID: 1000103). An algorithm developed to predict the effect of missense changes on protein structure and function (PolyPhen-2) suggests that this variant is likely to be tolerated. In summary, the available evidence is currently insufficient to determine the role of this variant in disease. Therefore, it has been classified as a Variant of Uncertain Significance.